The following is an entry in ClinVar:

ClinVar aggregate classification (germline): Uncertain significance (1 of 4 stars; one submission).

Conditions:
TTC21B-related disorder. Also called: TTC21B-related condition; TTC21B-related disorders.

Submission:

PreventionGenetics, part of Exact Sciences
Classification: Uncertain significance for TTC21B-related condition. Last evaluated: 2025-11-17. Review status: criteria provided, single submitter. Criteria: ACMG Guidelines, 2015. Collection method: clinical testing. Allele origin: germline.
Comment: The TTC21B c.1628A>G variant is predicted to result in the amino acid substitution p.Lys543Arg. To our knowledge, this variant has not been reported in the literature or in a large population database (gnomAD), indicating this variant is rare. At this time, the clinical significance of this variant is uncertain due to the absence of conclusive functional and genetic evidence.

NM_024753.5(TTC21B):c.1628A>G (p.Lys543Arg)

Gene: TTC21B (tetratricopeptide repeat domain 21B; minus strand). Cytogenetic location: 2q24.3.
Variant type: single nucleotide variant.
Coding change: c.1628A>G on transcript NM_024753.5 (MANE Select); coding-DNA position 1628, A replaced by G.
Protein change: p.Lys543Arg; replaces lysine 543 with arginine.
Molecular consequence: missense variant.
Genome position (GRCh38, 1-based): chr2:165,919,322, T>C on the plus strand (A>G on the coding strand, the complement: TTC21B is on the minus strand). VCF-style: chr2-165919322-T-C. GRCh37 (hg19) VCF-style: chr2-166775832-T-C.
Other names: short protein forms K543R.
Identifiers: ClinVar variation 4985226 (VCV004985226.1).
Genomic context (GRCh38, chr2:165,919,322, plus strand): 5'-TCTGGAATACTTACCTTAAAATCATAGCTCAGACAAAGTTCAAGAGACTGAGAACACAAT[T>C]TGACTTTTTCTTGAGACAAGTAAACCTGAGCTAGCAGCAGATGAGCATCAGCATAAGAGG-3'
Protein context (NP_079029.3, residues 533-553): AQVYLSQEKV[Lys543Arg]LCSQSLELCL